The following is an entry in ClinVar:

NM_002528.7(NTHL1):c.391_392del (p.Ser131fs)

Gene: NTHL1 (nth like DNA glycosylase 1; minus strand). Cytogenetic location: 16p13.3.
Variant type: Microsatellite.
Coding change: c.391_392del on transcript NM_002528.7 (MANE Select); coding-DNA positions 391 to 392, 2 bases deleted (TC; older notation c.391_392delTC).
Protein change: p.Ser131fs; shifts the reading frame from serine 131.
Molecular consequence: frameshift variant. On other transcripts: intron variant (1).
Genome position (GRCh38, 1-based): chr16:2,044,763-2,044,764, GA deleted on the plus strand (TC on the coding strand, the reverse complement: NTHL1 is on the minus strand); deleting any 2 consecutive bases within chr16:2,044,763-2,044,767 gives the same sequence; the c. name uses the placement nearest the transcript's 3' end. VCF-style (leftmost placement, unchanged base first): chr16-2044762-GGA-G. GRCh37 (hg19) VCF-style: chr16-2094763-GGA-G.
Other names: c.415_416del (NM_002528.6); c.61_62del, p.Ser21fs (NM_001318194.2); c.355-1038_355-1037del (NM_001318193.2); short protein forms S131fs, S21fs.
Identifiers: ClinVar variation 665291 (VCV000665291.13), dbSNP rs1596220478, ClinGen allele CA915946195.

ClinVar aggregate classification (germline): Pathogenic/Likely pathogenic. Review status: criteria provided, multiple submitters, no conflicts (2 of 4 stars). 4 submissions from 4 submitters: Pathogenic (3); Likely pathogenic (1). Last evaluated 2026-01-17.

Conditions:
Familial adenomatous polyposis 3. Also called: NTHL1-Related Adenomatous Polyposis and Colorectal Cancer; NTHL1-associated polyposis; NTHL1-related attenuated familial adenomatous polyposis; NTHL1 Tumor Syndrome. Identifiers: Orphanet 220460, Orphanet 454840, MedGen C4225157, MONDO:0014630, OMIM 616415.
Hereditary cancer-predisposing syndrome. Also called: Tumor predisposition; Neoplastic Syndromes, Hereditary; Hereditary Cancer Syndrome; Hereditary neoplastic syndrome. Identifiers: Orphanet 140162, MedGen C0027672, MeSH D009386, MONDO:0015356.

Submissions (4):

Labcorp Genetics (formerly Invitae), Labcorp
Classification: Pathogenic. Last evaluated: 2026-01-17. Review status: criteria provided, single submitter. Criteria: Invitae Variant Classification Sherloc (09022015). Collection method: clinical testing. Allele origin: germline.
Comment: This sequence change creates a premature translational stop signal (p.Ser139Glnfs*30) in the NTHL1 gene. It is expected to result in an absent or disrupted protein product. Loss-of-function variants in NTHL1 are known to be pathogenic (PMID: 25938944, 26559593). This variant is not present in population databases (gnomAD no frequency). This variant has not been reported in the literature in individuals affected with NTHL1-related conditions. ClinVar contains an entry for this variant (Variation ID: 665291). For these reasons, this variant has been classified as Pathogenic.

Myriad Genetics, Inc.
Classification: Pathogenic for Familial adenomatous polyposis 3. Last evaluated: 2023-09-05. Review status: criteria provided, single submitter. Criteria: Myriad Autosomal Dominant, Autosomal Recessive and X-Linked Classification Criteria (2023). Collection method: clinical testing. Allele origin: unknown.
Comment: This variant is considered pathogenic. This variant creates a frameshift predicted to result in premature protein truncation.

Ambry Genetics
Classification: Pathogenic for Hereditary cancer-predisposing syndrome. Last evaluated: 2023-08-07. Review status: criteria provided, single submitter. Criteria: Ambry Variant Classification Scheme 2023. Collection method: clinical testing. Allele origin: germline.
Comment: The c.415_416delTC pathogenic mutation, located in coding exon 3 of the NTHL1 gene, results from a deletion of two nucleotides at nucleotide positions 415 to 416, causing a translational frameshift with a predicted alternate stop codon (p.S139Qfs*30). This alteration is expected to result in loss of function by premature protein truncation or nonsense-mediated mRNA decay. As such, this alteration is interpreted as a disease-causing mutation.

Baylor Genetics
Classification: Likely pathogenic for Familial adenomatous polyposis 3. Last evaluated: 2023-01-31. Review status: criteria provided, single submitter. Criteria: ACMG Guidelines, 2015. Collection method: clinical testing. Allele origin: unknown.

Literature cited by the submitters: PubMed 25938944 (cited by Labcorp Genetics (formerly Invitae), Labcorp); PubMed 26559593 (cited by Labcorp Genetics (formerly Invitae), Labcorp).